The following is an entry in ClinVar:

NM_001142565.3(CPSF7):c.523+2dup

Gene: CPSF7 (cleavage and polyadenylation specific factor 7; minus strand). Cytogenetic location: 11q12.2.
Variant type: Duplication.
Coding change: c.523+2dup on transcript NM_001142565.3 (MANE Select); the canonical splice donor site of the intron after coding-DNA position 523, one base duplicated (T; older notation c.523+2dupT).
Molecular consequence: splice donor variant. On other transcripts: nonsense (2), non-coding transcript variant (3).
Genome position (GRCh38, 1-based): chr11:61,419,947, A duplicated on the plus strand (T on the coding strand, the reverse complement: CPSF7 is on the minus strand). VCF-style (leftmost placement, unchanged base first): chr11-61419946-C-CA. GRCh37 (hg19) VCF-style: chr11-61187418-C-CA.
Other names: c.525dup, p.Glu176Ter (NM_001136040.4); c.654dup, p.Glu219Ter (NM_024811.4); short protein forms E176*, E219*.
Identifiers: ClinVar variation 161527 (VCV000161527.2), dbSNP rs193920985, ClinGen allele CA174269.
Genomic context (GRCh38, chr11:61,419,946, plus strand): 5'-AAACACCCCCCCCTCATACAGATGGTCTCCACGTACCCCCTCTTGGGACTCGGACACACT[C>CA]ACGTTTCCGAGCCTGTGCCTCAAACTGTGACAGGTTCTGCCGGGTGGCCGGCCTCACGTC-3'

ClinVar aggregate classification (germline): Uncertain significance (0 of 4 stars; one submission).

Conditions:
Prostate cancer. Also called: Malignant tumor of prostate. Identifiers: Orphanet 1331, MedGen C0376358, MONDO:0008315, HP:0012125.

Submission:

Science for Life laboratory,  Karolinska Institutet
Classification: Uncertain significance for Malignant tumor of prostate. Review status: no assertion criteria provided. Collection method: not provided. Allele origin: somatic.
Comment: TumorID:SWE-4
ClinVar note: Converted during submission from Unknown to Uncertain significance.